The following is an entry in ClinVar:

NM_206933.4(USH2A):c.7457T>C (p.Phe2486Ser)

Gene: USH2A (usherin; minus strand). Cytogenetic location: 1q41.
Variant type: single nucleotide variant.
Coding change: c.7457T>C on transcript NM_206933.4 (MANE Select); coding-DNA position 7457, T replaced by C.
Protein change: p.Phe2486Ser; replaces phenylalanine 2486 with serine.
Molecular consequence: missense variant.
Genome position (GRCh38, 1-based): chr1:215,900,212, A>G on the plus strand (T>C on the coding strand, the complement: USH2A is on the minus strand). VCF-style: chr1-215900212-A-G. GRCh37 (hg19) VCF-style: chr1-216073554-A-G.
Other names: short protein forms F2486S.
Identifiers: ClinVar variation 4087809 (VCV004087809.1).

ClinVar aggregate classification (germline): Uncertain significance (1 of 4 stars; one submission).

Submission:

GeneDx
Classification: Uncertain significance. Last evaluated: 2025-03-24. Review status: criteria provided, single submitter. Criteria: GeneDx Variant Classification Process June 2021. Collection method: clinical testing. Allele origin: germline. Affected: yes.
Comment: Not observed at significant frequency in large population cohorts (gnomAD); In silico analysis supports that this missense variant has a deleterious effect on protein structure/function; Has not been previously published as pathogenic or benign to our knowledge